The following is an entry in ClinVar:

ClinVar aggregate classification (germline): Pathogenic (1 of 4 stars; one submission).

Conditions:
Recessive dystrophic epidermolysis bullosa (RDEB). Also called: DYSTROPHIC EPIDERMOLYSIS BULLOSA, AUTOSOMAL RECESSIVE; EPIDERMOLYSIS BULLOSA DYSTROPHICA, HALLOPEAU-SIEMENS TYPE; Hallopeau-Siemens Disease; severe generalized recessive dystrophic epidermolysis bullosa; EPIDERMOLYSIS BULLOSA DYSTROPHICA, GENERALIZED SEVERE, AUTOSOMAL RECESSIVE; Epidermolysis Bullosa Distrophica Autosomal Recessive (RDEB). Identifiers: Orphanet 79408, Orphanet 79409, MedGen C0079474, MONDO:0009179, OMIM 226600.

Submission:

Myriad Genetics, Inc.
Classification: Pathogenic for Recessive dystrophic epidermolysis bullosa. Last evaluated: 2024-12-10. Review status: criteria provided, single submitter. Criteria: Myriad Autosomal Dominant, Autosomal Recessive and X-Linked Classification Criteria (2023). Collection method: clinical testing. Allele origin: unknown.
Comment: NM_000094.3(COL7A1):c.914_915delTG(V305Dfs*79) is expected to be pathogenic in the context of dystrophic epidermolysis bullosa. This variant is predicted to lead to an abnormal or absent protein product due to the creation of a premature termination codon in COL7A1, a gene where loss-of-function variants are known to be pathogenic. Please note: this variant was assessed in the context of healthy population screening.

NM_000094.4(COL7A1):c.914_915del (p.Val305fs)

Gene: COL7A1 (collagen type VII alpha 1 chain; minus strand). Cytogenetic location: 3p21.31.
Variant type: Deletion.
Coding change: c.914_915del on transcript NM_000094.4 (MANE Select); coding-DNA positions 914 to 915, 2 bases deleted (TG; older notation c.914_915delTG).
Protein change: p.Val305fs; shifts the reading frame from valine 305.
Molecular consequence: frameshift variant.
Genome position (GRCh38, 1-based): chr3:48,592,631-48,592,632, CA deleted on the plus strand (TG on the coding strand, the reverse complement: COL7A1 is on the minus strand); deleting any 2 consecutive bases within chr3:48,592,631-48,592,633 gives the same sequence; the c. name uses the placement nearest the transcript's 3' end. VCF-style (leftmost placement, unchanged base first): chr3-48592630-TCA-T. GRCh37 (hg19) VCF-style: chr3-48630063-TCA-T.
Other names: short protein forms V305fs.
Identifiers: ClinVar variation 5013841 (VCV005013841.1).
Genomic context (GRCh38, chr3:48,592,630, plus strand): 5'-TGGTCCGAGCTGTCCCGCTCACAGCCTCCCCGATGCTGTTGGCGTAGAGGGCAATCACAG[TCA>T]CTTGGTACTCGGTCAGTGGCCGGAGACCCCGCAGCCGCACACTGGTCTCACCAGCTGGGA-3'